The following is an entry in ClinVar:

NM_022168.4(IFIH1):c.2716C>T (p.Leu906Phe)

Gene: IFIH1 (interferon induced with helicase C domain 1; minus strand). Cytogenetic location: 2q24.2.
Variant type: single nucleotide variant.
Coding change: c.2716C>T on transcript NM_022168.4 (MANE Select); coding-DNA position 2716, C replaced by T.
Protein change: p.Leu906Phe; replaces leucine 906 with phenylalanine.
Molecular consequence: missense variant.
Genome position (GRCh38, 1-based): chr2:162,268,178, G>A on the plus strand (C>T on the coding strand, the complement: IFIH1 is on the minus strand). VCF-style: chr2-162268178-G-A. GRCh37 (hg19) VCF-style: chr2-163124688-G-A.
Other names: short protein forms L906F.
Identifiers: ClinVar variation 1004886 (VCV001004886.8), dbSNP rs1690962431, ClinGen allele CA348991270.

ClinVar aggregate classification (germline): Uncertain significance (1 of 4 stars; one submission).

Conditions:
Singleton-Merten syndrome 1 (SGMRT1). Also called: Widened medullary cavities of bone, aortic calcification, abnormal dentition, and muscular weakness; Syndrome of widened medullary cavities of the metacarpals and phalanges, aortic calcification and abnormal dentition. Identifiers: Orphanet 85191, MedGen C4225427, MONDO:0024535, OMIM 182250.
Aicardi-Goutieres syndrome 7 (AGS7). Identifiers: Orphanet 51, MedGen C3888244, MONDO:0014367, OMIM 615846.

Submission:

Labcorp Genetics (formerly Invitae), Labcorp
Classification: Uncertain significance for Aicardi-Goutieres syndrome 7; Singleton-Merten syndrome 1. Last evaluated: 2022-09-27. Review status: criteria provided, single submitter. Criteria: Invitae Variant Classification Sherloc (09022015). Collection method: clinical testing. Allele origin: germline.
Comment: In summary, the available evidence is currently insufficient to determine the role of this variant in disease. Therefore, it has been classified as a Variant of Uncertain Significance. Algorithms developed to predict the effect of sequence changes on RNA splicing suggest that this variant may create or strengthen a splice site. Algorithms developed to predict the effect of missense changes on protein structure and function output the following: SIFT: "Tolerated"; PolyPhen-2: "Benign"; Align-GVGD: "Class C0". The phenylalanine amino acid residue is found in multiple mammalian species, which suggests that this missense change does not adversely affect protein function. ClinVar contains an entry for this variant (Variation ID: 1004886). This variant has not been reported in the literature in individuals affected with IFIH1-related conditions. This variant is not present in population databases (gnomAD no frequency). This sequence change replaces leucine, which is neutral and non-polar, with phenylalanine, which is neutral and non-polar, at codon 906 of the IFIH1 protein (p.Leu906Phe).